The following is an entry in ClinVar:

ClinVar aggregate classification (germline): Likely benign (1 of 4 stars; one submission).

Submission:

CeGaT Center for Human Genetics Tuebingen
Classification: Likely benign. Last evaluated: 2026-08-01. Review status: criteria provided, single submitter. Criteria: CeGaT Center For Human Genetics Tuebingen Variant Classification Criteria Version 2. Collection method: clinical testing. Allele origin: germline. Affected: yes. Observed: 5 variant alleles.
Comment: BTBD17: PM2:Supporting, BP4, BP7

NM_001080466.2(BTBD17):c.924C>T (p.Gly308=)

Gene: BTBD17 (BTB domain containing 17; minus strand). Cytogenetic location: 17q25.1.
Variant type: single nucleotide variant.
Coding change: c.924C>T on transcript NM_001080466.2 (MANE Select); coding-DNA position 924, C replaced by T.
Protein change: p.Gly308=; no amino-acid change (glycine 308 retained).
Molecular consequence: synonymous variant.
Genome position (GRCh38, 1-based): chr17:74,357,170, G>A on the plus strand (C>T on the coding strand, the complement: BTBD17 is on the minus strand). VCF-style: chr17-74357170-G-A. GRCh37 (hg19) VCF-style: chr17-72353309-G-A.
Identifiers: ClinVar variation 3250684 (VCV003250684.18), dbSNP rs2509858141.